The following is an entry in ClinVar:

ClinVar aggregate classification (germline): Uncertain significance (1 of 4 stars; one submission).

Conditions:
Usher syndrome type 3B. Also called: USHER SYNDROME, TYPE IIIB. Identifiers: MedGen C3281066, MONDO:0013788, OMIM 614504.

Submission:

Labcorp Genetics (formerly Invitae), Labcorp
Classification: Uncertain significance for Usher syndrome type 3B. Last evaluated: 2022-10-17. Review status: criteria provided, single submitter. Criteria: Invitae Variant Classification Sherloc (09022015). Collection method: clinical testing. Allele origin: germline.
Comment: This sequence change replaces leucine, which is neutral and non-polar, with arginine, which is basic and polar, at codon 352 of the HARS protein (p.Leu352Arg). This variant is not present in population databases (gnomAD no frequency). In summary, the available evidence is currently insufficient to determine the role of this variant in disease. Therefore, it has been classified as a Variant of Uncertain Significance. Advanced modeling of protein sequence and biophysical properties (such as structural, functional, and spatial information, amino acid conservation, physicochemical variation, residue mobility, and thermodynamic stability) performed at Invitae indicates that this missense variant is not expected to disrupt HARS protein function. This variant has not been reported in the literature in individuals affected with HARS-related conditions.

NM_002109.6(HARS1):c.1055T>G (p.Leu352Arg)

Gene: HARS1 (histidyl-tRNA synthetase 1; minus strand). Cytogenetic location: 5q31.3.
Variant type: single nucleotide variant.
Coding change: c.1055T>G on transcript NM_002109.6 (MANE Select); coding-DNA position 1055, T replaced by G.
Protein change: p.Leu352Arg; replaces leucine 352 with arginine.
Molecular consequence: missense variant.
Genome position (GRCh38, 1-based): chr5:140,676,793, A>C on the plus strand (T>G on the coding strand, the complement: HARS1 is on the minus strand). VCF-style: chr5-140676793-A-C. GRCh37 (hg19) VCF-style: chr5-140056378-A-C.
Other names: c.935T>G, p.Leu312Arg (NM_001258040.3); c.995T>G, p.Leu332Arg (NM_001258041.3); c.875T>G, p.Leu292Arg (NM_001258042.3); c.833T>G, p.Leu278Arg (NM_001289092.2); c.713T>G, p.Leu238Arg (NM_001289093.2); c.968T>G, p.Leu323Arg (NM_001289094.2); short protein forms L323R, L292R, L312R, L238R, L332R, L352R, L278R.
Identifiers: ClinVar variation 2035846 (VCV002035846.4), dbSNP rs1426833293, ClinGen allele CA361251482.
Genomic context (GRCh38, chr5:140,676,793, plus strand): 5'-GGGTCGAACATGCCCACTAGCCCATCATAGCGTCCTCCAGCAGCCACACTGCCCACACCC[A>C]GGGGCTCTTCCCCTGCCTGGGCTGGGGTCTGTAGCAGCACTGCCTCATAGATCACCCCAG-3'
Protein context (NP_002100.2, residues 342-362): QTPAQAGEEP[Leu352Arg]GVGSVAAGGR